The following is an entry in ClinVar:

ClinVar aggregate classification (germline): Uncertain significance (1 of 4 stars; one submission).

Submission:

GeneDx
Classification: Uncertain significance. Last evaluated: 2025-01-06. Review status: criteria provided, single submitter. Criteria: GeneDx Variant Classification Process June 2021. Collection method: clinical testing. Allele origin: germline. Affected: yes.
Comment: Not observed at significant frequency in large population cohorts (gnomAD); In silico analysis supports that this missense variant has a deleterious effect on protein structure/function; Has not been previously published as pathogenic or benign to our knowledge

NM_181552.4(CUX1):c.443A>G (p.Glu148Gly)

Gene: CUX1 (cut like homeobox 1; plus strand). Cytogenetic location: 7q22.1.
Variant type: single nucleotide variant.
Coding change: c.443A>G on transcript NM_181552.4 (MANE Select); coding-DNA position 443, A replaced by G.
Protein change: p.Glu148Gly; replaces glutamic acid 148 with glycine.
Molecular consequence: missense variant.
Genome position (GRCh38, 1-based): chr7:102,104,372, A>G. VCF-style: chr7-102104372-A-G. GRCh37 (hg19) VCF-style: chr7-101747652-A-G.
Other names: c.476A>G, p.Glu159Gly (NM_001202543.2, NM_001913.5, NM_181500.4); c.428A>G, p.Glu143Gly (NM_001202544.3); c.338A>G, p.Glu113Gly (NM_001202545.3); c.365A>G, p.Glu122Gly (NM_001202546.3); short protein forms E113G, E122G, E143G, E148G, E159G.
Identifiers: ClinVar variation 4070662 (VCV004070662.1).
Genomic context (GRCh38, chr7:102,104,372, plus strand): 5'-GGTTTTTTTTTTTCTTTTCTGCAGAGGTTACGATAAAAGCACTTAAAGAGAAAATCCGAG[A>G]ATATGAACAGACACTGAAGAACCAAGCCGAAACCATAGCTCTTGAGAAGGAACAGAAGTT-3'
Protein context (NP_853530.2, residues 138-158): TIKALKEKIR[Glu148Gly]YEQTLKNQAE